The following is an entry in ClinVar:

ClinVar aggregate classification (germline): Pathogenic (1 of 4 stars; one submission).

Conditions:
Developmental and epileptic encephalopathy, 9 (DEE9). Also called: EPILEPSY, FEMALE-RESTRICTED, WITH MENTAL RETARDATION; PCDH19-Related X-Linked Female-Limited Epilepsy with Mental Retardation; Early infantile epileptic encephalopathy 9; JUBERG-HELLMAN SYNDROME. Identifiers: Orphanet 101039, Orphanet 2076, MedGen C1848137, MONDO:0010246, OMIM 300088. Disease mechanism: loss of function.

Submission:

Labcorp Genetics (formerly Invitae), Labcorp
Classification: Pathogenic for Developmental and epileptic encephalopathy, 9. Last evaluated: 2023-08-03. Review status: criteria provided, single submitter. Criteria: Invitae Variant Classification Sherloc (09022015). Collection method: clinical testing. Allele origin: germline.
Comment: For these reasons, this variant has been classified as Pathogenic. This variant has not been reported in the literature in individuals affected with PCDH19-related conditions. This variant is not present in population databases (gnomAD no frequency). This sequence change creates a premature translational stop signal (p.Tyr419Phefs*146) in the PCDH19 gene. It is expected to result in an absent or disrupted protein product. Loss-of-function variants in PCDH19 are known to be pathogenic (PMID: 21053371).

Literature cited by the submitters: PubMed 21053371.

NM_001184880.2(PCDH19):c.1256_1268del (p.Tyr419fs)

Gene: PCDH19 (protocadherin 19; minus strand). Cytogenetic location: Xq22.1.
Variant type: Deletion.
Coding change: c.1256_1268del on transcript NM_001184880.2 (MANE Select); coding-DNA positions 1256 to 1268, 13 bases deleted (ACAACCTCACAAT).
Protein change: p.Tyr419fs; shifts the reading frame from tyrosine 419.
Molecular consequence: frameshift variant.
Genome position (GRCh38, 1-based): chrX:100,407,330-100,407,342, ATTGTGAGGTTGT deleted on the plus strand (ACAACCTCACAAT on the coding strand, the reverse complement: PCDH19 is on the minus strand); deleting any 13 consecutive bases within chrX:100,407,330-100,407,346 gives the same sequence; the c. name uses the placement nearest the transcript's 3' end. VCF-style (leftmost placement, unchanged base first): chrX-100407329-AATTGTGAGGTTGT-A. GRCh37 (hg19) VCF-style: chrX-99662327-AATTGTGAGGTTGT-A.
Other names: c.1256_1268del, p.Tyr419fs (NM_001105243.2, NM_020766.3); short protein forms Y419fs.
Identifiers: ClinVar variation 2749656 (VCV002749656.3), dbSNP rs2520984160, ClinGen allele CA2697553220.